The following is an entry in ClinVar:

NM_016008.4(DYNC2LI1):c.127-2A>G

Gene: DYNC2LI1 (dynein cytoplasmic 2 light intermediate chain 1; plus strand). Cytogenetic location: 2p21.
Variant type: single nucleotide variant.
Coding change: c.127-2A>G on transcript NM_016008.4 (MANE Select); the canonical splice acceptor site of the intron before coding-DNA position 127, A replaced by G.
Molecular consequence: splice acceptor variant.
Genome position (GRCh38, 1-based): chr2:43,783,518, A>G. VCF-style: chr2-43783518-A-G. GRCh37 (hg19) VCF-style: chr2-44010657-A-G.
Other names: c.127-2A>G (NM_001348913.2, NM_001348912.2, NM_001193464.2 and 1 more transcripts).
Identifiers: ClinVar variation 2782763 (VCV002782763.3), dbSNP rs148986857, ClinGen allele CA346650090.

ClinVar aggregate classification (germline): Likely pathogenic (1 of 4 stars; one submission).

gnomAD v4.1: 1 of 1,531,456 alleles (0.000065%); highest among the groups gnomAD compares: South Asian, 0.0013%; no homozygotes.

Submission:

Labcorp Genetics (formerly Invitae), Labcorp
Classification: Likely pathogenic. Last evaluated: 2023-11-24. Review status: criteria provided, single submitter. Criteria: Invitae Variant Classification Sherloc (09022015). Collection method: clinical testing. Allele origin: germline.
Comment: This sequence change affects an acceptor splice site in intron 2 of the DYNC2LI1 gene. It is expected to disrupt RNA splicing. Variants that disrupt the donor or acceptor splice site typically lead to a loss of protein function (PMID: 16199547), and loss-of-function variants in DYNC2LI1 are known to be pathogenic (PMID: 26077881, 26130459). This variant is not present in population databases (gnomAD no frequency). This variant has not been reported in the literature in individuals affected with DYNC2LI1-related conditions. Algorithms developed to predict the effect of sequence changes on RNA splicing suggest that this variant may disrupt the consensus splice site. In summary, the currently available evidence indicates that the variant is pathogenic, but additional data are needed to prove that conclusively. Therefore, this variant has been classified as Likely Pathogenic.

Literature cited by the submitters: PubMed 16199547; PubMed 26077881; PubMed 26130459.